The following is an entry in ClinVar:

ClinVar aggregate classification (germline): Benign/Likely benign. Review status: criteria provided, multiple submitters, no conflicts (2 of 4 stars). 4 submissions from 4 submitters: Benign (2); Likely benign (2). Last evaluated 2025-09-21.

Conditions:
Spinocerebellar ataxia type 23 (SCA23). Identifiers: Orphanet 101108, MedGen C1853250, MONDO:0012449, OMIM 610245.

Allele frequency attached by ClinVar (database versions not stated): gnomAD exomes 0.00016; ExAC 0.00020; gnomAD 0.00062 and 0.00067; TOPMed 0.00068; ESP Exome Variant Server 0.00077; 1000 Genomes Project 0.00100; 1000 Genomes Project 30x 0.00125.
gnomAD v4.1: 166 of 1,614,018 alleles (0.01%); highest among the groups gnomAD compares: African/African-American, 0.19%; no homozygotes.

Submissions (4):

Labcorp Genetics (formerly Invitae), Labcorp
Classification: Likely benign. Last evaluated: 2025-09-21. Review status: criteria provided, single submitter. Criteria: Invitae Variant Classification Sherloc (09022015). Collection method: clinical testing. Allele origin: germline.

Mayo Clinic Laboratories, Mayo Clinic
Classification: Benign. Last evaluated: 2025-03-04. Review status: criteria provided, single submitter. Criteria: ACMG Guidelines, 2015. Collection method: clinical testing. Allele origin: germline. Observed: 1 variant allele.
Comment: BS1, BS2

Fulgent Genetics
Classification: Likely benign for Spinocerebellar ataxia type 23. Last evaluated: 2022-04-28. Review status: criteria provided, single submitter. Criteria: ACMG Guidelines, 2015. Collection method: clinical testing. Allele origin: unknown.

Athena Diagnostics
Classification: Benign. Last evaluated: 2016-11-09. Review status: criteria provided, single submitter. Criteria: Athena Diagnostics Criteria. Collection method: clinical testing. Allele origin: germline.

NM_024411.5(PDYN):c.106G>T (p.Gly36Cys)

Genes: PDYN (prodynorphin; minus strand), PDYN-AS1 (PDYN antisense RNA 1; plus strand). Cytogenetic location: 20p13.
Variant type: single nucleotide variant.
Coding change: c.106G>T on transcript NM_024411.5 (MANE Select); coding-DNA position 106, G replaced by T.
Protein change: p.Gly36Cys; replaces glycine 36 with cysteine.
Molecular consequence: missense variant.
Genome position (GRCh38, 1-based): chr20:1,982,979, C>A on the plus strand (G>T on the coding strand, the complement: PDYN is on the minus strand). VCF-style: chr20-1982979-C-A. GRCh37 (hg19) VCF-style: chr20-1963625-C-A.
Other names: c.106G>T, p.Gly36Cys (NM_001190892.1, NM_001190898.3, NM_001190899.2 and 1 more transcripts); short protein forms G36C.
Identifiers: ClinVar variation 447927 (VCV000447927.13), dbSNP rs149056587, ClinGen allele CA9730383.